The following is an entry in ClinVar:

ClinVar aggregate classification (germline): Uncertain significance (1 of 4 stars; one submission).

Submission:

GeneDx
Classification: Uncertain significance. Last evaluated: 2024-03-18. Review status: criteria provided, single submitter. Criteria: GeneDx Variant Classification Process June 2021. Collection method: clinical testing. Allele origin: germline. Affected: yes.
Comment: Not observed at significant frequency in large population cohorts (gnomAD); In silico analysis supports that this missense variant does not alter protein structure/function; Has not been previously published as pathogenic or benign to our knowledge

NM_178014.4(TUBB):c.961A>T (p.Met321Leu)

Gene: TUBB (tubulin beta class I; plus strand). Cytogenetic location: 6p21.33.
Variant type: single nucleotide variant.
Coding change: c.961A>T on transcript NM_178014.4 (MANE Select); coding-DNA position 961, A replaced by T.
Protein change: p.Met321Leu; replaces methionine 321 with leucine.
Molecular consequence: missense variant. On other transcripts: non-coding transcript variant (1), intron variant (1).
Genome position (GRCh38, 1-based): chr6:30,724,023, A>T. VCF-style: chr6-30724023-A-T. GRCh37 (hg19) VCF-style: chr6-30691800-A-T.
Other names: c.1021A>T, p.Met341Leu (NM_001293212.2); c.829A>T, p.Met277Leu (NM_001293214.2); c.745A>T, p.Met249Leu (NM_001293215.2, NM_001293216.2); c.370-15A>T (NM_001293213.2); short protein forms M249L, M277L, M321L, M341L.
Identifiers: ClinVar variation 3370535 (VCV003370535.1).